The following is an entry in ClinVar:

ClinVar aggregate classification (germline): Uncertain significance (1 of 4 stars; one submission).

Allele frequency attached by ClinVar (database versions not stated): gnomAD exomes below 0.00001; gnomAD 0.00001; TOPMed 0.00002.
gnomAD v4.1: 2 of 1,614,120 alleles (0.00012%); highest among the groups gnomAD compares: East Asian, 0.0022%; no homozygotes.

Submission:

Labcorp Genetics (formerly Invitae), Labcorp
Classification: Uncertain significance. Last evaluated: 2022-09-27. Review status: criteria provided, single submitter. Criteria: Invitae Variant Classification Sherloc (09022015). Collection method: clinical testing. Allele origin: germline.
Comment: This sequence change replaces glycine, which is neutral and non-polar, with alanine, which is neutral and non-polar, at codon 1346 of the PCDH15 protein (p.Gly1346Ala). This variant is present in population databases (no rsID available, gnomAD 0.003%). This variant has not been reported in the literature in individuals affected with PCDH15-related conditions. Advanced modeling of protein sequence and biophysical properties (such as structural, functional, and spatial information, amino acid conservation, physicochemical variation, residue mobility, and thermodynamic stability) performed at Invitae indicates that this missense variant is not expected to disrupt PCDH15 protein function. In summary, the available evidence is currently insufficient to determine the role of this variant in disease. Therefore, it has been classified as a Variant of Uncertain Significance.

NM_001384140.1(PCDH15):c.4037G>C (p.Gly1346Ala)

Gene: PCDH15 (protocadherin related 15; minus strand). Cytogenetic location: 10q21.1.
Variant type: single nucleotide variant.
Coding change: c.4037G>C on transcript NM_001384140.1 (MANE Select); coding-DNA position 4037, G replaced by C.
Protein change: p.Gly1346Ala; replaces glycine 1346 with alanine.
Molecular consequence: missense variant.
Genome position (GRCh38, 1-based): chr10:53,831,480, C>G on the plus strand (G>C on the coding strand, the complement: PCDH15 is on the minus strand). VCF-style: chr10-53831480-C-G. GRCh37 (hg19) VCF-style: chr10-55591240-C-G.
Other names: c.4052G>C, p.Gly1351Ala (NM_001142763.2, NM_001142771.2); c.4037G>C, p.Gly1346Ala (NM_001142764.2, NM_001142766.2, NM_001142770.3 and 4 more transcripts); c.3824G>C, p.Gly1275Ala (NM_001142765.2); c.3926G>C, p.Gly1309Ala (NM_001142767.2); c.3971G>C, p.Gly1324Ala (NM_001142768.2, NM_001142773.2, NM_001354404.2); c.4073G>C, p.Gly1358Ala (NM_001142769.4); c.4058G>C, p.Gly1353Ala (NM_001354411.2); short protein forms G1309A, G1351A, G1275A, G1353A, G1324A, G1346A, G1358A.
Identifiers: ClinVar variation 2006197 (VCV002006197.1), dbSNP rs995038422, ClinGen allele CA207227403.
Genomic context (GRCh38, chr10:53,831,480, plus strand): 5'-CTCTTTTTAATGCTGGTCACTGCCTCTGGAGTCCGGATCTCCAGAATGCGTCCTCCTTCC[C>G]CATAATACGGCTGAAAGTCTTTATTGATATCAAGTAGTTTGCCATCCAAAAATCTTTATT-3'
Protein context (NP_001371069.1, residues 1336-1356): DINKDFQPYY[Gly1346Ala]EGGRILEIRT